The following is an entry in ClinVar:

NM_018670.4(MESP1):c.435G>T (p.Glu145Asp)

Genes: MESP1 (mesoderm posterior bHLH transcription factor 1; minus strand), LOC130057888 (ATAC-STARR-seq lymphoblastoid silent region 6803; plus strand). Cytogenetic location: 15q26.1.
Variant type: single nucleotide variant.
Coding change: c.435G>T on transcript NM_018670.4 (MANE Select); coding-DNA position 435, G replaced by T.
Protein change: p.Glu145Asp; replaces glutamic acid 145 with aspartic acid.
Molecular consequence: missense variant.
Genome position (GRCh38, 1-based): chr15:89,750,797, C>A on the plus strand (G>T on the coding strand, the complement: MESP1 is on the minus strand). VCF-style: chr15-89750797-C-A. GRCh37 (hg19) VCF-style: chr15-90294028-C-A.
Other names: c.435G>T (NM_018670.3); short protein forms E145D.
Identifiers: ClinVar variation 1528118 (VCV001528118.11), dbSNP rs202109366, ClinGen allele CA7730203.

ClinVar aggregate classification (germline): Conflicting classifications of pathogenicity. Review status: criteria provided, conflicting classifications (1 of 4 stars). 3 submissions from 3 submitters: Uncertain significance (1); Benign (1). 1 of the submissions does not count toward it. Last evaluated 2025-09-17.

Conditions:
MESP1-related disorder. Also called: MESP1-related condition.

Allele frequency attached by ClinVar (database versions not stated): gnomAD exomes 0.00025 and 0.00040; 1000 Genomes Project 30x 0.00078; 1000 Genomes Project 0.00080; ExAC 0.00104; ESP Exome Variant Server 0.00249; gnomAD 0.00260 and 0.00286; TOPMed 0.00307.
gnomAD v4.1: 747 of 1,523,366 alleles (0.049%); highest among the groups gnomAD compares: African/African-American, 0.96%; 5 homozygotes.

Submissions (3):

Labcorp Genetics (formerly Invitae), Labcorp
Classification: Benign. Last evaluated: 2025-09-17. Review status: criteria provided, single submitter. Criteria: Invitae Variant Classification Sherloc (09022015). Collection method: clinical testing. Allele origin: germline.

Ambry Genetics
Classification: Uncertain significance. Last evaluated: 2025-08-28. Review status: criteria provided, single submitter. Criteria: Ambry Variant Classification Scheme 2023. Collection method: clinical testing. Allele origin: germline.

PreventionGenetics, part of Exact Sciences
Classification: Benign for MESP1-related condition. Last evaluated: 2020-01-24. Review status: no assertion criteria provided. Collection method: clinical testing. Allele origin: germline. Not counted in ClinVar's aggregate classification.
Comment: This variant is classified as benign based on ACMG/AMP sequence variant interpretation guidelines (Richards et al. 2015 PMID: 25741868, with internal and published modifications).